The following is an entry in ClinVar:

ClinVar aggregate classification (germline): Uncertain significance. Review status: criteria provided, multiple submitters, no conflicts (2 of 4 stars). 3 submissions from 3 submitters: Uncertain significance (3). Last evaluated 2026-01-05.

Conditions:
Inborn genetic diseases. Identifiers: MedGen C0950123, MeSH D030342.

Allele frequency attached by ClinVar (database versions not stated): gnomAD 0.00001; ExAC 0.00003.
gnomAD v4.1: 12 of 1,610,840 alleles (0.00074%); highest among the groups gnomAD compares: Admixed American, 0.015%; no homozygotes.

Submissions (3):

Labcorp Genetics (formerly Invitae), Labcorp
Classification: Uncertain significance. Last evaluated: 2026-01-05. Review status: criteria provided, single submitter. Criteria: Invitae Variant Classification Sherloc (09022015). Collection method: clinical testing. Allele origin: germline.
Comment: This sequence change replaces glycine, which is neutral and non-polar, with tryptophan, which is neutral and slightly polar, at codon 2667 of the HSPG2 protein (p.Gly2667Trp). This variant is present in population databases (rs768427974, gnomAD 0.02%). This variant has not been reported in the literature in individuals affected with HSPG2-related conditions. ClinVar contains an entry for this variant (Variation ID: 2256648). An algorithm developed to predict the effect of missense changes on protein structure and function (PolyPhen-2) suggests that this variant is likely to be disruptive. In summary, the available evidence is currently insufficient to determine the role of this variant in disease. Therefore, it has been classified as a Variant of Uncertain Significance.

Ambry Genetics
Classification: Uncertain significance for Inborn genetic diseases. Last evaluated: 2021-10-22. Review status: criteria provided, single submitter. Criteria: Ambry Variant Classification Scheme 2023. Collection method: clinical testing. Allele origin: germline.

Revvity Omics, Revvity
Classification: Uncertain significance. Last evaluated: 2019-01-17. Review status: criteria provided, single submitter. Criteria: ACMG Guidelines, 2015. Collection method: clinical testing. Allele origin: germline.

NM_005529.7(HSPG2):c.7999G>T (p.Gly2667Trp)

Gene: HSPG2 (heparan sulfate proteoglycan 2; minus strand). Cytogenetic location: 1p36.12.
Variant type: single nucleotide variant.
Coding change: c.7999G>T on transcript NM_005529.7 (MANE Select); coding-DNA position 7999, G replaced by T.
Protein change: p.Gly2667Trp; replaces glycine 2667 with tryptophan.
Molecular consequence: missense variant.
Genome position (GRCh38, 1-based): chr1:21,847,715, C>A on the plus strand (G>T on the coding strand, the complement: HSPG2 is on the minus strand). VCF-style: chr1-21847715-C-A. GRCh37 (hg19) VCF-style: chr1-22174208-C-A.
Other names: c.8002G>T, p.Gly2668Trp (NM_001291860.2); short protein forms G2667W, G2668W.
Identifiers: ClinVar variation 2256648 (VCV002256648.7), dbSNP rs768427974, ClinGen allele CA670980.